The following is an entry in ClinVar:

ClinVar aggregate classification (germline): Benign/Likely benign. Review status: criteria provided, multiple submitters, no conflicts (2 of 4 stars). 5 submissions from 5 submitters: Benign (3); Likely benign (2). Last evaluated 2026-01-31.

Conditions:
Junctional epidermolysis bullosa. Identifiers: Orphanet 305, MedGen C0079301, MONDO:0017612.

Allele frequency attached by ClinVar (database versions not stated): gnomAD exomes 0.00168 and 0.00448; ExAC 0.00529; 1000 Genomes Project 30x 0.01515; 1000 Genomes Project 0.01538; gnomAD 0.01748 and 0.01891; TOPMed 0.01989; ESP Exome Variant Server 0.02045.
gnomAD v4.1: 5,199 of 1,610,978 alleles (0.32%); highest among the groups gnomAD compares: African/African-American, 6.1%; 139 homozygotes.

Submissions (5):

Labcorp Genetics (formerly Invitae), Labcorp
Classification: Benign. Last evaluated: 2026-01-31. Review status: criteria provided, single submitter. Criteria: Invitae Variant Classification Sherloc (09022015). Collection method: clinical testing. Allele origin: germline.

Women's Health and Genetics/Laboratory Corporation of America, LabCorp
Classification: Likely benign. Last evaluated: 2021-12-10. Review status: criteria provided, single submitter. Criteria: LabCorp Variant Classification Summary - May 2015. Collection method: clinical testing. Allele origin: germline.

Illumina Laboratory Services, Illumina
Classification: Benign for Junctional epidermolysis bullosa. Last evaluated: 2018-01-13. Review status: criteria provided, single submitter. Criteria: ICSL Variant Classification Criteria 13 December 2019. Collection method: clinical testing. Allele origin: germline.
Comment: This variant was observed in the ICSL laboratory as part of a predisposition screen in an ostensibly healthy population. It had not been previously curated by ICSL or reported in the Human Gene Mutation Database (HGMD: prior to June 1st, 2018), and was therefore a candidate for classification through an automated scoring system. Utilizing variant allele frequency, disease prevalence and penetrance estimates, and inheritance mode, an automated score was calculated to assess if this variant is too frequent to cause the disease. Based on the score and internal cut-off values, a variant classified as benign is not then subjected to further curation. The score for this variant resulted in a classification of benign for this disease.

GeneDx
Classification: Benign. Last evaluated: 2015-03-03. Review status: criteria provided, single submitter. Criteria: GeneDx Variant Classification Process June 2021. Collection method: clinical testing. Allele origin: germline. Affected: yes.

Breakthrough Genomics
Classification: Likely benign. Review status: criteria provided, single submitter. Criteria: ACMG Guidelines, 2015. Collection method: not provided. Allele origin: germline. Inheritance: Autosomal recessive inheritance. Affected: yes.

NM_000228.3(LAMB3):c.2723C>T (p.Thr908Ile)

Gene: LAMB3 (laminin subunit beta 3; minus strand). Cytogenetic location: 1q32.2.
Variant type: single nucleotide variant.
Coding change: c.2723C>T on transcript NM_000228.3 (MANE Select); coding-DNA position 2723, C replaced by T.
Protein change: p.Thr908Ile; replaces threonine 908 with isoleucine.
Molecular consequence: missense variant.
Genome position (GRCh38, 1-based): chr1:209,618,638, G>A on the plus strand (C>T on the coding strand, the complement: LAMB3 is on the minus strand). VCF-style: chr1-209618638-G-A. GRCh37 (hg19) VCF-style: chr1-209791983-G-A.
Other names: c.2723C>T, p.Thr908Ile (NM_001017402.2, NM_001127641.1); short protein forms T908I.
Identifiers: ClinVar variation 295080 (VCV000295080.18), dbSNP rs61753424, ClinGen allele CA1375109.